The following is an entry in ClinVar:

ClinVar aggregate classification (germline): Uncertain significance (1 of 4 stars; one submission).

Allele frequency attached by ClinVar (database versions not stated): gnomAD exomes 0.00001; ExAC 0.00002; gnomAD 0.00003; TOPMed 0.00004.
gnomAD v4.1: 16 of 1,603,606 alleles (0.001%); highest among the groups gnomAD compares: African/African-American, 0.013%; no homozygotes.

Submission:

Labcorp Genetics (formerly Invitae), Labcorp
Classification: Uncertain significance. Last evaluated: 2025-03-30. Review status: criteria provided, single submitter. Criteria: Invitae Variant Classification Sherloc (09022015). Collection method: clinical testing. Allele origin: germline.
Comment: This sequence change replaces threonine, which is neutral and polar, with asparagine, which is neutral and polar, at codon 508 of the CACNA2D4 protein (p.Thr508Asn). The frequency data for this variant in the population databases is considered unreliable, as metrics indicate poor data quality at this position in the gnomAD database. This variant has not been reported in the literature in individuals affected with CACNA2D4-related conditions. ClinVar contains an entry for this variant (Variation ID: 1008995). An algorithm developed to predict the effect of missense changes on protein structure and function (PolyPhen-2) suggests that this variant is likely to be disruptive. In summary, the available evidence is currently insufficient to determine the role of this variant in disease. Therefore, it has been classified as a Variant of Uncertain Significance.

NM_172364.5(CACNA2D4):c.1523C>A (p.Thr508Asn)

Gene: CACNA2D4 (calcium voltage-gated channel auxiliary subunit alpha2delta 4; minus strand). Cytogenetic location: 12p13.33.
Variant type: single nucleotide variant.
Coding change: c.1523C>A on transcript NM_172364.5 (MANE Select); coding-DNA position 1523, C replaced by A.
Protein change: p.Thr508Asn; replaces threonine 508 with asparagine.
Molecular consequence: missense variant.
Genome position (GRCh38, 1-based): chr12:1,879,844, G>T on the plus strand (C>A on the coding strand, the complement: CACNA2D4 is on the minus strand). VCF-style: chr12-1879844-G-T. GRCh37 (hg19) VCF-style: chr12-1989010-G-T.
Other names: short protein forms T508N.
Identifiers: ClinVar variation 1008995 (VCV001008995.8), dbSNP rs769190279, ClinGen allele CA6387100.
Genomic context (GRCh38, chr12:1,879,844, plus strand): 5'-CTCCAGGAGCGGCCACTCACCGTTTCGTTCTTCTTGCTGAAGACTGGCATGGCCACAGTG[G>T]TGAGCAGTGTCAGGCTCTGAGCCTGCGAGCTGAGGAGCTGTAAGGGAGGGGAGAACAGGG-3'
Protein context (NP_758952.4, residues 498-518): SSQAQSLTLL[Thr508Asn]TVAMPVFSKK